The following is an entry in ClinVar:

NM_014611.3(MDN1):c.9681C>T (p.Leu3227=)

Gene: MDN1 (midasin AAA ATPase 1; minus strand). Cytogenetic location: 6q15.
Variant type: single nucleotide variant.
Coding change: c.9681C>T on transcript NM_014611.3 (MANE Select); coding-DNA position 9681, C replaced by T.
Protein change: p.Leu3227=; no amino-acid change (leucine 3227 retained).
Molecular consequence: synonymous variant.
Genome position (GRCh38, 1-based): chr6:89,695,695, G>A on the plus strand (C>T on the coding strand, the complement: MDN1 is on the minus strand). VCF-style: chr6-89695695-G-A. GRCh37 (hg19) VCF-style: chr6-90405414-G-A.
Identifiers: ClinVar variation 3034456 (VCV003034456.2), dbSNP rs140206209, ClinGen allele CA3923747.

ClinVar aggregate classification (germline): Likely benign (0 of 4 stars; one submission).

Conditions:
MDN1-related disorder. Also called: MDN1-related condition.

Allele frequency attached by ClinVar (database versions not stated): ExAC 0.00001; gnomAD exomes 0.00001; gnomAD 0.00013; ESP Exome Variant Server 0.00015; TOPMed 0.00043.
gnomAD v4.1: 45 of 1,613,594 alleles (0.0028%); highest among the groups gnomAD compares: Admixed American, 0.037%; no homozygotes.

Submission:

PreventionGenetics, part of Exact Sciences
Classification: Likely benign for MDN1-related condition. Last evaluated: 2019-06-18. Review status: no assertion criteria provided. Collection method: clinical testing. Allele origin: germline.
Comment: This variant is classified as likely benign based on ACMG/AMP sequence variant interpretation guidelines (Richards et al. 2015 PMID: 25741868, with internal and published modifications).